The following is an entry in ClinVar:

NM_014804.3(KIAA0753):c.712A>C (p.Lys238Gln)

Gene: KIAA0753 (KIAA0753; minus strand). Cytogenetic location: 17p13.1.
Variant type: single nucleotide variant.
Coding change: c.712A>C on transcript NM_014804.3 (MANE Select); coding-DNA position 712, A replaced by C.
Protein change: p.Lys238Gln; replaces lysine 238 with glutamine.
Molecular consequence: missense variant. On other transcripts: 5 prime UTR variant (1), non-coding transcript variant (3).
Genome position (GRCh38, 1-based): chr17:6,628,123, T>G on the plus strand (A>C on the coding strand, the complement: KIAA0753 is on the minus strand). VCF-style: chr17-6628123-T-G. GRCh37 (hg19) VCF-style: chr17-6531443-T-G.
Other names: c.-523A>C (NM_001351225.2); short protein forms K238Q.
Identifiers: ClinVar variation 1937481 (VCV001937481.5), dbSNP rs779913062, ClinGen allele CA397414302.

ClinVar aggregate classification (germline): Uncertain significance (1 of 4 stars; one submission).

Allele frequency attached by ClinVar (database versions not stated): TOPMed 0.00001.
gnomAD v4.1: 4 of 1,605,942 alleles (0.00025%); highest among the groups gnomAD compares: Admixed American, 0.0069%; no homozygotes.

Submission:

Labcorp Genetics (formerly Invitae), Labcorp
Classification: Uncertain significance. Last evaluated: 2025-07-21. Review status: criteria provided, single submitter. Criteria: Invitae Variant Classification Sherloc (09022015). Collection method: clinical testing. Allele origin: germline.
Comment: This sequence change replaces lysine, which is basic and polar, with glutamine, which is neutral and polar, at codon 238 of the KIAA0753 protein (p.Lys238Gln). This variant is present in population databases (no rsID available, gnomAD 0.003%). This variant has not been reported in the literature in individuals affected with KIAA0753-related conditions. ClinVar contains an entry for this variant (Variation ID: 1937481). An algorithm developed to predict the effect of missense changes on protein structure and function (PolyPhen-2) suggests that this variant is likely to be disruptive. In summary, the available evidence is currently insufficient to determine the role of this variant in disease. Therefore, it has been classified as a Variant of Uncertain Significance.